The following is an entry in ClinVar:

NM_000206.3(IL2RG):c.855-1G>A

Gene: IL2RG (interleukin 2 receptor subunit gamma; minus strand). Cytogenetic location: Xq13.1.
Variant type: single nucleotide variant.
Coding change: c.855-1G>A on transcript NM_000206.3 (MANE Select); the canonical splice acceptor site of the intron before coding-DNA position 855, G replaced by A.
Molecular consequence: splice acceptor variant.
Genome position (GRCh38, 1-based): chrX:71,108,347, C>T on the plus strand (G>A on the coding strand, the complement: IL2RG is on the minus strand). VCF-style: chrX-71108347-C-T. GRCh37 (hg19) VCF-style: chrX-70328197-C-T.
Identifiers: ClinVar variation 463385 (VCV000463385.11), dbSNP rs1556329822, ClinGen allele CA413628457.

ClinVar aggregate classification (germline): Pathogenic (1 of 4 stars; one submission).

Conditions:
X-linked severe combined immunodeficiency (SCIDX1). Also called: T-B+ severe combined immunodeficiency due to gamma chain deficiency; IMMUNODEFICIENCY 4; X-Linked Combined Immunodeficiency Diseases; SCID, X-LINKED; SEVERE COMBINED IMMUNODEFICIENCY, X-LINKED, T CELL-NEGATIVE, B CELL-POSITIVE, NK CELL-NEGATIVE. Identifiers: Orphanet 276, MedGen C6022468, MONDO:0010315, OMIM 300400. Disease mechanism: loss of function.

Submissions (2):

Labcorp Genetics (formerly Invitae), Labcorp
Classification: Pathogenic for X-linked severe combined immunodeficiency. Last evaluated: 2022-11-15. Review status: criteria provided, single submitter. Criteria: Invitae Variant Classification Sherloc (09022015). Collection method: clinical testing. Allele origin: germline.
Comment: For these reasons, this variant has been classified as Pathogenic. Studies have shown that disruption of this splice site results in skipping of exon 7 and introduces a new termination codon (PMID: 28359783). However the mRNA is not expected to undergo nonsense-mediated decay. ClinVar contains an entry for this variant (Variation ID: 463385). Disruption of this splice site has been observed in individuals with clinical features of severe combined immunodeficiency (PMID: 28359783, 28747913; Invitae). This variant is not present in population databases (gnomAD no frequency). This sequence change affects an acceptor splice site in intron 6 of the IL2RG gene. RNA analysis indicates that disruption of this splice site induces altered splicing and likely disrupts the C-terminus of the protein.

Dr. Peter K. Rogan Lab, Western University
No classification provided (evidence only). Condition: Thyroid cancer, nonmedullary, 1. Review status: no classification provided. Collection method: in vitro. Allele origin: not applicable. Functional consequence: retained intron. Not counted in ClinVar's aggregate classification.

Literature cited by the submitters: PubMed 28359783 (cited by Labcorp Genetics (formerly Invitae), Labcorp); PubMed 28747913 (cited by Labcorp Genetics (formerly Invitae), Labcorp).